The following is an entry in ClinVar:

ClinVar aggregate classification (germline): Uncertain significance (1 of 4 stars; one submission).

Submission:

Ambry Genetics
Classification: Uncertain significance. Last evaluated: 2025-05-31. Review status: criteria provided, single submitter. Criteria: Ambry Variant Classification Scheme 2023. Collection method: clinical testing. Allele origin: germline.
Comment: The p.T289S variant (also known as c.866C>G), located in coding exon 9 of the SRP72 gene, results from a C to G substitution at nucleotide position 866. The threonine at codon 289 is replaced by serine, an amino acid with similar properties. This amino acid position is conserved. In addition, the in silico prediction for this alteration is inconclusive. Based on the available evidence, the clinical significance of this variant remains unclear.

NM_006947.4(SRP72):c.866C>G (p.Thr289Ser)

Gene: SRP72 (signal recognition particle 72; plus strand). Cytogenetic location: 4q12.
Variant type: single nucleotide variant.
Coding change: c.866C>G on transcript NM_006947.4 (MANE Select); coding-DNA position 866, C replaced by G.
Protein change: p.Thr289Ser; replaces threonine 289 with serine.
Molecular consequence: missense variant. On other transcripts: non-coding transcript variant (1).
Genome position (GRCh38, 1-based): chr4:56,483,179, C>G. VCF-style: chr4-56483179-C-G. GRCh37 (hg19) VCF-style: chr4-57349345-C-G.
Other names: c.683C>G, p.Thr228Ser (NM_001267722.2); short protein forms T289S, T228S.
Identifiers: ClinVar variation 3962126 (VCV003962126.1).